The following is an entry in ClinVar:

NM_004370.6(COL12A1):c.1003G>A (p.Glu335Lys)

Gene: COL12A1 (collagen type XII alpha 1 chain; minus strand). Cytogenetic location: 6q13.
Variant type: single nucleotide variant.
Coding change: c.1003G>A on transcript NM_004370.6 (MANE Select); coding-DNA position 1003, G replaced by A.
Protein change: p.Glu335Lys; replaces glutamic acid 335 with lysine.
Molecular consequence: missense variant. On other transcripts: intron variant (2).
Genome position (GRCh38, 1-based): chr6:75,184,139, C>T on the plus strand (G>A on the coding strand, the complement: COL12A1 is on the minus strand). VCF-style: chr6-75184139-C-T. GRCh37 (hg19) VCF-style: chr6-75893855-C-T.
Other names: c.1003G>A, p.Glu335Lys (NM_001424113.1, NM_001424114.1, NM_001424115.1); c.73+18581G>A (NM_001424116.1, NM_080645.3); short protein forms E335K.
Identifiers: ClinVar variation 4790976 (VCV004790976.1).

ClinVar aggregate classification (germline): Uncertain significance (1 of 4 stars; one submission).

Conditions:
Bethlem myopathy 2 (BTHLM2). Identifiers: Orphanet 536516, Orphanet 610, MedGen C4225313, MONDO:0034022, OMIM 616471.
Ullrich congenital muscular dystrophy 2 (UCMD2). Identifiers: Orphanet 75840, MedGen C4225314, MONDO:0014654, OMIM 616470.

Submission:

Labcorp Genetics (formerly Invitae), Labcorp
Classification: Uncertain significance for Bethlem myopathy 2; Ullrich congenital muscular dystrophy 2. Last evaluated: 2025-08-30. Review status: criteria provided, single submitter. Criteria: Invitae Variant Classification Sherloc (09022015). Collection method: clinical testing. Allele origin: germline.
Comment: This sequence change replaces glutamic acid, which is acidic and polar, with lysine, which is basic and polar, at codon 335 of the COL12A1 protein (p.Glu335Lys). This variant is not present in population databases (gnomAD no frequency). This variant has not been reported in the literature in individuals affected with COL12A1-related conditions. Invitae Evidence Modeling of protein sequence and biophysical properties (such as structural, functional, and spatial information, amino acid conservation, physicochemical variation, residue mobility, and thermodynamic stability) has been performed for this missense variant. However, the output from this modeling did not meet the statistical confidence thresholds required to predict the impact of this variant on COL12A1 protein function. In summary, the available evidence is currently insufficient to determine the role of this variant in disease. Therefore, it has been classified as a Variant of Uncertain Significance.